The following is an entry in ClinVar:

ClinVar aggregate classification (germline): Uncertain significance (1 of 4 stars; one submission).

Submission:

Labcorp Genetics (formerly Invitae), Labcorp
Classification: Uncertain significance. Last evaluated: 2022-05-08. Review status: criteria provided, single submitter. Criteria: Invitae Variant Classification Sherloc (09022015). Collection method: clinical testing. Allele origin: germline.
Comment: In summary, the available evidence is currently insufficient to determine the role of this variant in disease. Therefore, it has been classified as a Variant of Uncertain Significance. Algorithms developed to predict the effect of missense changes on protein structure and function are either unavailable or do not agree on the potential impact of this missense change (SIFT: "Tolerated"; PolyPhen-2: "Possibly Damaging"; Align-GVGD: "Class C0"). This variant has not been reported in the literature in individuals affected with PCSK1-related conditions. This variant is not present in population databases (gnomAD no frequency). This sequence change replaces threonine, which is neutral and polar, with alanine, which is neutral and non-polar, at codon 164 of the PCSK1 protein (p.Thr164Ala).

NM_000439.5(PCSK1):c.490A>G (p.Thr164Ala)

Genes: PCSK1 (proprotein convertase subtilisin/kexin type 1; minus strand), CAST (calpastatin; plus strand), LOC101929710 (uncharacterized LOC101929710; plus strand). Cytogenetic location: 5q15.
Variant type: single nucleotide variant.
Coding change: c.490A>G on transcript NM_000439.5 (MANE Select); coding-DNA position 490, A replaced by G.
Protein change: p.Thr164Ala; replaces threonine 164 with alanine.
Molecular consequence: missense variant.
Genome position (GRCh38, 1-based): chr5:96,423,366, T>C on the plus strand (A>G on the coding strand, the complement: PCSK1 is on the minus strand). VCF-style: chr5-96423366-T-C. GRCh37 (hg19) VCF-style: chr5-95759070-T-C.
Other names: c.349A>G, p.Thr117Ala (NM_001177875.2); short protein forms T164A, T117A.
Identifiers: ClinVar variation 2203669 (VCV002203669.4), dbSNP rs2531566779, ClinGen allele CA360484081.